The following is an entry in ClinVar:

ClinVar aggregate classification (germline): Uncertain significance. Review status: criteria provided, multiple submitters, no conflicts (2 of 4 stars). 3 submissions from 3 submitters: Uncertain significance (3). Last evaluated 2025-06-15.

Conditions:
Primary dilated cardiomyopathy (DCM). Also called: Dilated Cardiomyopathy. Identifiers: Orphanet 217604, MedGen C0007193, MeSH D002311, MONDO:0005021, HP:0001644. Inheritance: Various modes of inheritance.

Allele frequency attached by ClinVar (database versions not stated): TOPMed below 0.00001; gnomAD 0.00001.
gnomAD v4.1: 1 of 1,613,896 alleles (0.000062%); highest among the groups gnomAD compares: Non-Finnish European, 0.000085%; no homozygotes.

Submissions (3):

Labcorp Genetics (formerly Invitae), Labcorp
Classification: Uncertain significance for Primary dilated cardiomyopathy. Last evaluated: 2025-06-15. Review status: criteria provided, single submitter. Criteria: Invitae Variant Classification Sherloc (09022015). Collection method: clinical testing. Allele origin: germline.
Comment: This sequence change replaces glutamic acid, which is acidic and polar, with lysine, which is basic and polar, at codon 972 of the NEBL protein (p.Glu972Lys). This variant is not present in population databases (gnomAD no frequency). This variant has not been reported in the literature in individuals affected with NEBL-related conditions. ClinVar contains an entry for this variant (Variation ID: 452448). An algorithm developed to predict the effect of missense changes on protein structure and function (PolyPhen-2) suggests that this variant is likely to be disruptive. In summary, the available evidence is currently insufficient to determine the role of this variant in disease. Therefore, it has been classified as a Variant of Uncertain Significance.

Ambry Genetics
Classification: Uncertain significance. Last evaluated: 2024-02-12. Review status: criteria provided, single submitter. Criteria: Ambry Variant Classification Scheme 2023. Collection method: clinical testing. Allele origin: germline.
Comment: The p.E972K variant (also known as c.2914G>A), located in coding exon 28 of the NEBL gene, results from a G to A substitution at nucleotide position 2914. The glutamic acid at codon 972 is replaced by lysine, an amino acid with similar properties. This amino acid position is conserved. In addition, this alteration is predicted to be deleterious by in silico analysis. Since supporting evidence is limited at this time, the clinical significance of this alteration remains unclear.

GeneDx
Classification: Uncertain significance. Last evaluated: 2017-10-02. Review status: criteria provided, single submitter. Criteria: GeneDx Variant Classification (06012015). Collection method: clinical testing. Allele origin: germline. Affected: yes.
Comment: A variant of uncertain significance has been identified in the NEBL gene. The E972K variant has not been published as pathogenic or been reported as benign to our knowledge. This variant is also not observed in large population cohorts (Lek et al., 2016). The E972K variant is a non-conservative amino acid substitution, which is likely to impact secondary protein structure as these residues differ in polarity, charge, size and/or other properties. This substitution occurs at a position that is conserved across species and in silico analysis predicts this variant is probably damaging to the protein structure/function. However, the E972K variant lacks observation in a significant number of affected individuals, segregation data, and functional evidence, all of which would further clarify its role in disease.

NM_006393.3(NEBL):c.2914G>A (p.Glu972Lys)

Gene: NEBL (nebulette; minus strand). Cytogenetic location: 10p12.31.
Variant type: single nucleotide variant.
Coding change: c.2914G>A on transcript NM_006393.3 (MANE Select); coding-DNA position 2914, G replaced by A.
Protein change: p.Glu972Lys; replaces glutamic acid 972 with lysine.
Molecular consequence: missense variant. On other transcripts: 3 prime UTR variant (1).
Genome position (GRCh38, 1-based): chr10:20,785,878, C>T on the plus strand (G>A on the coding strand, the complement: NEBL is on the minus strand). VCF-style: chr10-20785878-C-T. GRCh37 (hg19) VCF-style: chr10-21074807-C-T.
Other names: c.*5G>A (NM_001173484.2); c.775G>A, p.Glu259Lys (NM_001377322.1); c.634G>A, p.Glu212Lys (NM_001377323.1); c.625G>A, p.Glu209Lys (NM_001377324.1); c.616G>A, p.Glu206Lys (NM_001377325.1); c.574G>A, p.Glu192Lys (NM_001377326.1, NM_001377327.1, NM_001377328.1); c.682G>A, p.Glu228Lys (NM_213569.2); short protein forms E228K, E972K, E192K, E206K, E209K, E212K, E259K.
Identifiers: ClinVar variation 452448 (VCV000452448.7), dbSNP rs1554769095, ClinGen allele CA376092276.
Genomic context (GRCh38, chr10:20,785,878, plus strand): 5'-TCCAGCCATCGTCAATAGGCTGCACGTTGACGATGTAGTCGCCGTCTCTAAAGGAGACCT[C>T]GTCTTCATCCTGGGCACTGTAATCGTACATGGCTCGGTAGGTCCTCTGAGAAAGGAAGAA-3'
Protein context (NP_006384.1, residues 962-982): MYDYSAQDED[Glu972Lys]VSFRDGDYIV